The following is an entry in ClinVar:

ClinVar aggregate classification (germline): Uncertain significance (0 of 4 stars; one submission).

Conditions:
Prostate cancer. Also called: Malignant tumor of prostate. Identifiers: Orphanet 1331, MedGen C0376358, MONDO:0008315, HP:0012125.

Submission:

Science for Life laboratory,  Karolinska Institutet
Classification: Uncertain significance for Malignant tumor of prostate. Review status: no assertion criteria provided. Collection method: not provided. Allele origin: somatic.
Comment: TumorID:SWE-19
ClinVar note: Converted during submission from Unknown to Uncertain significance.

NM_001684.5(ATP2B4):c.999C>A (p.Asp333Glu)

Gene: ATP2B4 (ATPase plasma membrane Ca2+ transporting 4; plus strand). Cytogenetic location: 1q32.1.
Variant type: single nucleotide variant.
Coding change: c.999C>A on transcript NM_001684.5 (MANE Select); coding-DNA position 999, C replaced by A.
Protein change: p.Asp333Glu; replaces aspartic acid 333 with glutamic acid.
Molecular consequence: missense variant.
Genome position (GRCh38, 1-based): chr1:203,703,713, C>A. VCF-style: chr1-203703713-C-A. GRCh37 (hg19) VCF-style: chr1-203672841-C-A.
Other names: c.999C>A, p.Asp333Glu (NM_001001396.3, NM_001365783.2, NM_001365784.2); short protein forms D333E.
Identifiers: ClinVar variation 161476 (VCV000161476.2), dbSNP rs193920934, ClinGen allele CA174104.